The following is an entry in ClinVar:

ClinVar aggregate classification (germline): Uncertain significance (1 of 4 stars; one submission).

Allele frequency attached by ClinVar (database versions not stated): ExAC 0.00008; 1000 Genomes Project 30x 0.00016; 1000 Genomes Project 0.00020; gnomAD 0.00024; TOPMed 0.00026; ESP Exome Variant Server 0.00038.
gnomAD v4.1: 62 of 1,613,486 alleles (0.0038%); highest among the groups gnomAD compares: African/African-American, 0.075%; no homozygotes.

Submission:

Labcorp Genetics (formerly Invitae), Labcorp
Classification: Uncertain significance. Last evaluated: 2025-04-14. Review status: criteria provided, single submitter. Criteria: Invitae Variant Classification Sherloc (09022015). Collection method: clinical testing. Allele origin: germline.
Comment: This sequence change replaces glutamine, which is neutral and polar, with arginine, which is basic and polar, at codon 343 of the NDUFAF7 protein (p.Gln343Arg). This variant is present in population databases (rs143263046, gnomAD 0.1%), and has an allele count higher than expected for a pathogenic variant. This variant has not been reported in the literature in individuals affected with NDUFAF7-related conditions. ClinVar contains an entry for this variant (Variation ID: 2180001). An algorithm developed to predict the effect of missense changes on protein structure and function outputs the following: PolyPhen-2: "Benign". The arginine amino acid residue is found in multiple mammalian species, which suggests that this missense change does not adversely affect protein function. In summary, the available evidence is currently insufficient to determine the role of this variant in disease. Therefore, it has been classified as a Variant of Uncertain Significance.

NM_144736.5(NDUFAF7):c.1322A>G (p.Gln441Arg)

Gene: NDUFAF7 (NADH:ubiquinone oxidoreductase complex assembly factor 7; plus strand). Cytogenetic location: 2p22.2.
Variant type: single nucleotide variant.
Coding change: c.1322A>G on transcript NM_144736.5 (MANE Select); coding-DNA position 1322, A replaced by G.
Protein change: p.Gln441Arg; replaces glutamine 441 with arginine.
Molecular consequence: missense variant. On other transcripts: non-coding transcript variant (10).
Genome position (GRCh38, 1-based): chr2:37,248,346, A>G. VCF-style: chr2-37248346-A-G. GRCh37 (hg19) VCF-style: chr2-37475489-A-G.
Other names: c.1028A>G, p.Gln343Arg (NM_001083946.2); c.1199A>G, p.Gln400Arg (NM_001350024.2); c.1118A>G, p.Gln373Arg (NM_001350025.2); c.1109A>G, p.Gln370Arg (NM_001350027.2); short protein forms Q343R, Q373R, Q370R, Q400R, Q441R.
Identifiers: ClinVar variation 2180001 (VCV002180001.4), dbSNP rs143263046, ClinGen allele CA1617467.